The following is an entry in ClinVar:

ClinVar aggregate classification (germline): Uncertain significance (1 of 4 stars; one submission).

Conditions:
Primary ciliary dyskinesia 28. Also called: CILIARY DYSKINESIA, PRIMARY, 28, WITH OR WITHOUT SITUS INVERSUS. Identifiers: Orphanet 244, MedGen C3809706, MONDO:0014216, OMIM 615505.

Submission:

Labcorp Genetics (formerly Invitae), Labcorp
Classification: Uncertain significance for Primary ciliary dyskinesia 28. Last evaluated: 2022-05-15. Review status: criteria provided, single submitter. Criteria: Invitae Variant Classification Sherloc (09022015). Collection method: clinical testing. Allele origin: germline.
Comment: This variant has not been reported in the literature in individuals affected with SPAG1-related conditions. This variant, c.330_332del, results in the deletion of 1 amino acid(s) of the SPAG1 protein (p.Glu110del), but otherwise preserves the integrity of the reading frame. This variant is present in population databases (no rsID available, gnomAD 0.003%). Experimental studies and prediction algorithms are not available or were not evaluated, and the functional significance of this variant is currently unknown. In summary, the available evidence is currently insufficient to determine the role of this variant in disease. Therefore, it has been classified as a Variant of Uncertain Significance.

NM_003114.5(SPAG1):c.324AGA[2] (p.Glu110del)

Gene: SPAG1 (sperm associated antigen 1; plus strand). Cytogenetic location: 8q22.2.
Variant type: Microsatellite.
Coding change: c.324AGA[2] on transcript NM_003114.5 (MANE Select); two copies in a row of the 3-base unit AGA starting at c.324; the reference has three copies in a row; one copy, 3 bases deleted.
Protein change: p.Glu110del; deletes glutamic acid 110.
Molecular consequence: inframe deletion.
Genome position (GRCh38, 1-based): chr8:100,177,845-100,177,847, AGA deleted; deleting any 3 consecutive bases within chr8:100,177,838-100,177,847 gives the same sequence; the position shown is the placement nearest the transcript's 3' end. VCF-style (leftmost placement, unchanged base first): chr8-100177837-AAAG-A. GRCh37 (hg19) VCF-style: chr8-101190065-AAAG-A.
Other names: c.324AGA[2], p.Glu110del (NM_001374321.1, NM_172218.3); short protein forms E110del.
Identifiers: ClinVar variation 1476551 (VCV001476551.7), dbSNP rs1256907229, ClinGen allele CA583866805.